The following is an entry in ClinVar:

NM_199420.4(POLQ):c.327G>T (p.Lys109Asn)

Gene: POLQ (DNA polymerase theta; minus strand). Cytogenetic location: 3q13.33.
Variant type: single nucleotide variant.
Coding change: c.327G>T on transcript NM_199420.4 (MANE Select); coding-DNA position 327, G replaced by T.
Protein change: p.Lys109Asn; replaces lysine 109 with asparagine.
Molecular consequence: missense variant.
Genome position (GRCh38, 1-based): chr3:121,544,743, C>A on the plus strand (G>T on the coding strand, the complement: POLQ is on the minus strand). VCF-style: chr3-121544743-C-A. GRCh37 (hg19) VCF-style: chr3-121263590-C-A.
Other names: short protein forms K109N.
Identifiers: ClinVar variation 1729728 (VCV001729728.3), dbSNP rs142782936, ClinGen allele CA2563861.

ClinVar aggregate classification (germline): Uncertain significance (1 of 4 stars; one submission).

Allele frequency attached by ClinVar (database versions not stated): ExAC 0.00016; gnomAD 0.00058; TOPMed 0.00059; ESP Exome Variant Server 0.00069.
gnomAD v4.1: 155 of 1,609,448 alleles (0.0096%); highest among the groups gnomAD compares: African/African-American, 0.19%; 1 homozygote.

Submission:

Ambry Genetics
Classification: Uncertain significance. Last evaluated: 2024-10-07. Review status: criteria provided, single submitter. Criteria: Ambry Variant Classification Scheme 2023. Collection method: clinical testing. Allele origin: germline.
Comment: The p.K109N variant (also known as c.327G>T), located in coding exon 2 of the POLQ gene, results from a G to T substitution at nucleotide position 327. The lysine at codon 109 is replaced by asparagine, an amino acid with similar properties. This amino acid position is conserved. In addition, this alteration is predicted to be tolerated by in silico analysis. Since supporting evidence is limited at this time, the clinical significance of this alteration remains unclear.